The following is an entry in ClinVar:

NM_007272.3(CTRC):c.41-5C>A

Gene: CTRC (chymotrypsin C; plus strand). Cytogenetic location: 1p36.21.
Variant type: single nucleotide variant.
Coding change: c.41-5C>A on transcript NM_007272.3 (MANE Select); 5 bases into the intron before coding-DNA position 41, C replaced by A.
Molecular consequence: intron variant.
Genome position (GRCh38, 1-based): chr1:15,440,295, C>A. VCF-style: chr1-15440295-C-A. GRCh37 (hg19) VCF-style: chr1-15766791-C-A.
Identifiers: ClinVar variation 824639 (VCV000824639.18), dbSNP rs781284605, ClinGen allele CA613197.

ClinVar aggregate classification (germline): Conflicting classifications of pathogenicity. Review status: criteria provided, conflicting classifications (1 of 4 stars). 4 submissions from 4 submitters: Uncertain significance (2); Likely benign (2). Last evaluated 2023-11-21.

Conditions:
Hereditary pancreatitis (PCTT). Also called: Hereditary chronic pancreatitis; PRSS1-Related Hereditary Pancreatitis. Identifiers: Orphanet 676, MedGen C0238339, MONDO:0008185, OMIM 167800.

Allele frequency attached by ClinVar (database versions not stated): gnomAD exomes 0.00002 and 0.00006; ExAC 0.00004; TOPMed 0.00004; gnomAD 0.00005 and 0.00006.

Submissions (4):

Ambry Genetics
Classification: Uncertain significance for Hereditary pancreatitis. Last evaluated: 2023-11-21. Review status: criteria provided, single submitter. Criteria: Ambry Variant Classification Scheme 2023. Collection method: clinical testing. Allele origin: germline.
Comment: The c.41-5C>A intronic variant results from a C to A substitution 5 nucleotides upstream from coding exon 2 in the CTRC gene. This nucleotide position is well conserved in available vertebrate species. In silico splice site analysis predicts that this alteration will not have any significant effect on splicing. Since supporting evidence is limited at this time, the clinical significance of this alteration remains unclear.

Labcorp Genetics (formerly Invitae), Labcorp
Classification: Likely benign for Hereditary pancreatitis. Last evaluated: 2023-10-04. Review status: criteria provided, single submitter. Criteria: Invitae Variant Classification Sherloc (09022015). Collection method: clinical testing. Allele origin: germline.

Mayo Clinic Laboratories, Mayo Clinic
Classification: Uncertain significance. Last evaluated: 2022-05-10. Review status: criteria provided, single submitter. Criteria: ACMG Guidelines, 2015. Collection method: clinical testing. Allele origin: germline. Observed: 1 variant allele.
Comment: BP4

Illumina Laboratory Services, Illumina
Classification: Likely benign for Hereditary pancreatitis. Last evaluated: 2018-01-13. Review status: criteria provided, single submitter. Criteria: ICSL Variant Classification Criteria 13 December 2019. Collection method: clinical testing. Allele origin: germline.
Comment: This variant was observed in the ICSL laboratory as part of a predisposition screen in an ostensibly healthy population. It had not been previously curated by ICSL or reported in the Human Gene Mutation Database (HGMD: prior to June 1st, 2018), and was therefore a candidate for classification through an automated scoring system. Utilizing variant allele frequency, disease prevalence and penetrance estimates, and inheritance mode, an automated score was calculated to assess if this variant is too frequent to cause the disease. Based on the score and internal cut-off values, a variant classified as likely benign is not then subjected to further curation. The score for this variant resulted in a classification of likely benign for this disease.